The following is an entry in ClinVar:

ClinVar aggregate classification (germline): Uncertain significance (1 of 4 stars; one submission).

Submission:

Labcorp Genetics (formerly Invitae), Labcorp
Classification: Uncertain significance. Last evaluated: 2024-07-26. Review status: criteria provided, single submitter. Criteria: Invitae Variant Classification Sherloc (09022015). Collection method: clinical testing. Allele origin: germline.
Comment: This sequence change replaces serine, which is neutral and polar, with alanine, which is neutral and non-polar, at codon 615 of the CAPRIN1 protein (p.Ser615Ala). This variant is not present in population databases (gnomAD no frequency). This variant has not been reported in the literature in individuals affected with CAPRIN1-related conditions. An algorithm developed to predict the effect of missense changes on protein structure and function (PolyPhen-2) suggests that this variant is likely to be tolerated. In summary, the available evidence is currently insufficient to determine the role of this variant in disease. Therefore, it has been classified as a Variant of Uncertain Significance.

NM_005898.5(CAPRIN1):c.1843T>G (p.Ser615Ala)

Gene: CAPRIN1 (cell cycle associated protein 1; plus strand). Cytogenetic location: 11p13.
Variant type: single nucleotide variant.
Coding change: c.1843T>G on transcript NM_005898.5 (MANE Select); coding-DNA position 1843, T replaced by G.
Protein change: p.Ser615Ala; replaces serine 615 with alanine.
Molecular consequence: missense variant.
Genome position (GRCh38, 1-based): chr11:34,096,616, T>G. VCF-style: chr11-34096616-T-G. GRCh37 (hg19) VCF-style: chr11-34118163-T-G.
Other names: c.1843T>G, p.Ser615Ala (NM_203364.3); short protein forms S615A.
Identifiers: ClinVar variation 3678455 (VCV003678455.2).